The following is an entry in ClinVar:

NM_000275.3(OCA2):c.1834C>T (p.Gln612Ter)

Gene: OCA2 (OCA2 melanosomal transmembrane protein; minus strand). Cytogenetic location: 15q13.1.
Variant type: single nucleotide variant.
Coding change: c.1834C>T on transcript NM_000275.3 (MANE Select); coding-DNA position 1834, C replaced by T.
Protein change: p.Gln612Ter; replaces glutamine 612 with a stop codon.
Molecular consequence: nonsense.
Genome position (GRCh38, 1-based): chr15:27,955,166, G>A on the plus strand (C>T on the coding strand, the complement: OCA2 is on the minus strand). VCF-style: chr15-27955166-G-A. GRCh37 (hg19) VCF-style: chr15-28200312-G-A.
Other names: c.1762C>T, p.Gln588Ter (NM_001300984.2); short protein forms Q588*, Q612*.
Identifiers: ClinVar variation 2698395 (VCV002698395.3), dbSNP rs2506495202, ClinGen allele CA391365144.

ClinVar aggregate classification (germline): Pathogenic (1 of 4 stars; one submission).

Submission:

Labcorp Genetics (formerly Invitae), Labcorp
Classification: Pathogenic. Last evaluated: 2023-11-24. Review status: criteria provided, single submitter. Criteria: Invitae Variant Classification Sherloc (09022015). Collection method: clinical testing. Allele origin: germline.
Comment: This sequence change creates a premature translational stop signal (p.Gln612*) in the OCA2 gene. It is expected to result in an absent or disrupted protein product. Loss-of-function variants in OCA2 are known to be pathogenic (PMID: 19865097, 21541274). This variant is not present in population databases (gnomAD no frequency). This variant has not been reported in the literature in individuals affected with OCA2-related conditions. For these reasons, this variant has been classified as Pathogenic.

Literature cited by the submitters: PubMed 19865097; PubMed 21541274.